The following continues an entry in ClinVar:

NM_001142800.2(EYS):c.6416G>A (p.Cys2139Tyr)

Gene: EYS. ClinVar aggregate classification (germline): Pathogenic/Likely pathogenic. Pathogenic (15); Likely pathogenic (6).

Submissions 16 to 22 of 22:

Ocular Genomics Institute, Massachusetts Eye and Ear
Classification: Likely pathogenic for Retinitis pigmentosa 25. Last evaluated: 2021-04-08. Review status: criteria provided, single submitter. Criteria: ACMG Guidelines, 2015. Collection method: research. Allele origin: germline. Affected: yes.
Comment: Through a review of available evidence we were able to apply the following criteria: PS1, PM2, PP1, PP3. Based on this evidence we have classified this variant as Likely Pathogenic.

Broad Center for Mendelian Genomics, Broad Institute of MIT and Harvard
Classification: Likely pathogenic for Retinitis pigmentosa. Last evaluated: 2021-04-01. Review status: criteria provided, single submitter. Criteria: ACMG Guidelines, 2015. Collection method: curation. Allele origin: germline. Inheritance: Autosomal recessive inheritance. Affected: yes.
Comment: Through a review of available evidence we were able to apply the following criteria: PS1, PM2, PP1, PP3. Based on this evidence we have classified this variant as Likely Pathogenic. If you have any questions about the classification please reach out to the Pierce Lab.

Institute of Medical Genetics and Applied Genomics, University Hospital Tübingen
Classification: Pathogenic. Last evaluated: 2020-10-23. Review status: criteria provided, single submitter. Criteria: ACMG Guidelines, 2015. Collection method: clinical testing. Allele origin: germline. Inheritance: Autosomal recessive inheritance. Affected: yes.

CeGaT Center for Human Genetics Tuebingen
Classification: Pathogenic. Last evaluated: 2019-05-01. Review status: criteria provided, single submitter. Criteria: CeGaT Center For Human Genetics Tuebingen Variant Classification Criteria Version 2. Collection method: clinical testing. Allele origin: germline. Affected: yes. Observed: 2 variant alleles.

Eurofins Ntd Llc (ga)
Classification: Pathogenic. Last evaluated: 2016-12-29. Review status: criteria provided, single submitter. Criteria: EGL Classification Definitions 2015. Collection method: clinical testing. Allele origin: germline. Observed: 2 variant alleles, 2 heterozygotes.

Juno Genomics, Hangzhou Juno Genomics, Inc
Classification: Pathogenic for Retinitis pigmentosa 25. Review status: criteria provided, single submitter. Criteria: ACMG Guidelines, 2015. Collection method: clinical testing. Allele origin: germline.
Comment: Multiple lines of computational evidence support a deleterious effect on the gene or gene product.;For recessive disorders, detected in trans with a pathogenic variant.;Co-segregation with disease in multiple affected family members.

Laboratory for Molecular Medicine, Mass General Brigham Personalized Medicine
Classification: Uncertain significance. Last evaluated: 2014-07-15. Review status: flagged submission. Criteria: LMM Criteria. Collection method: clinical testing. Allele origin: germline. Observed: 1 variant allele. Study: CSER-MedSeq. Not counted in ClinVar's aggregate classification.
Comment: The Cys2139Tyr variant in EYS has been reported in 3 compound heterozygous and 1 heterozygous individuals with retinitis pigmentosa and was found to segregate with disease in 3 compound heterozygous family members (Audo 2010, Abd El-Aziz 2010, Jin 2014). This variant was not identified in large population studies. Computational analyses (biochemical amino acid properties, conservation, PolyPhen2, and SIFT) don't provide strong support for or against and impact to the protein and one mammal carries a tyrosine (Tyr) at this position. In summary, while segregation studies and the presence of this variant in combination with other reported pathogenic variants indicate this variant may be disease-causing, the presence of the variant amino acid in a mammal raises some concern and additional studies are required to fully establish its clinical significance.
ClinVar note: Reason: Older claim that does not account for recent evidence

Literature cited by the submitters: PubMed 30029497 (cited by Natera, Inc.); PubMed 28512305 (cited by Natera, Inc.); PubMed 32100970 (cited by Natera, Inc. and Institute of Human Genetics, Univ. Regensburg, Univ. Regensburg); PubMed 25753737 (cited by 4 submitters); PubMed 24618324 (cited by Natera, Inc.); PubMed 25366773 (cited by 3billion); PubMed 20237254 (cited by 6 submitters); PubMed 20333770 (cited by 8 submitters); PubMed 25356976 (cited by Labcorp Genetics (formerly Invitae), Labcorp and Institute of Human Genetics, Univ. Regensburg, Univ. Regensburg); PubMed 27375351 (cited by 4 submitters); PubMed 31872526 (cited by Institute of Human Genetics, Univ. Regensburg, Univ. Regensburg); PubMed 31054281 (cited by Institute of Human Genetics, Univ. Regensburg, Univ. Regensburg); PubMed 31960602 (cited by Institute of Human Genetics, Univ. Regensburg, Univ. Regensburg); PubMed 31964843 (cited by Institute of Human Genetics, Univ. Regensburg, Univ. Regensburg); PubMed 33090715 (cited by Institute of Human Genetics, Univ. Regensburg, Univ. Regensburg); PubMed 32531858 (cited by Institute of Human Genetics, Univ. Regensburg, Univ. Regensburg); PubMed 32037395 (cited by Institute of Human Genetics, Univ. Regensburg, Univ. Regensburg); PubMed 36464167 (cited by Institute of Human Genetics, Univ. Regensburg, Univ. Regensburg); PubMed 36819107 (cited by Institute of Human Genetics, Univ. Regensburg, Univ. Regensburg); PubMed 24670872 (cited by 3 submitters); PubMed 34906470 (cited by Broad Center for Mendelian Genomics, Broad Institute of MIT and Harvard).